The following is an entry in ClinVar:

ClinVar aggregate classification (germline): Uncertain significance (1 of 4 stars; one submission).

Allele frequency attached by ClinVar (database versions not stated): TOPMed below 0.00001; gnomAD 0.00001.
gnomAD v4.1: 1 of 1,607,724 alleles (0.000062%); highest among the groups gnomAD compares: Admixed American, 0.0017%; no homozygotes.

Submission:

GeneDx
Classification: Uncertain significance. Last evaluated: 2014-03-19. Review status: criteria provided, single submitter. Criteria: GeneDx Variant Classification (06012015). Collection method: clinical testing. Allele origin: germline. Affected: yes.
Comment: The c.63-5 T>G splice variant has not been published as a mutation, nor has it been reported as a benign polymorphism to our knowledge. It was not observed in approximately 6,500 individuals of European and African American ancestry in the NHLBI Exome Sequencing Project, indicating it is not a common benign variant in these populations. Multiple in silico models predict that the c.63-5 T>G variant damages the natural splice acceptor site in intron 4, leading to abnormal gene splicing. However, in the absence of RNA/functional studies, the actual affect of the c.63-5 T>G sequence change in this individual is unknown. Therefore, based on the currently available information, it is unclear whether this variant is a pathogenic mutation or a rare benign variant. The variant is found in EPILEPSY panel(s).

NM_130839.5(UBE3A):c.63-5T>G

Genes: SNHG14 (small nucleolar RNA host gene 14; plus strand), UBE3A (ubiquitin protein ligase E3A; minus strand). Cytogenetic location: 15q11.2.
Variant type: single nucleotide variant.
Coding change: c.63-5T>G on transcript NM_130839.5 (MANE Select); 5 bases into the intron before coding-DNA position 63, T replaced by G.
Molecular consequence: intron variant.
Genome position (GRCh38, 1-based): chr15:25,375,768, A>C on the plus strand (T>G on the coding strand, the complement: UBE3A is on the minus strand). VCF-style: chr15-25375768-A-C. GRCh37 (hg19) VCF-style: chr15-25620915-A-C.
Other names: c.-115-5T>G (NM_001354546.2); c.3-5T>G (NM_001354551.2, NM_001354549.2, NM_001354548.2 and 18 more transcripts); c.63-5T>G (NM_001354550.2, NM_001354545.2, NM_001354538.2 and 1 more transcripts); c.72-5T>G (NM_000462.5).
Identifiers: ClinVar variation 156675 (VCV000156675.1), dbSNP rs587783144, ClinGen allele CA294731.